The following is an entry in ClinVar:

ClinVar aggregate classification (germline): Uncertain significance (1 of 4 stars; one submission).

Submission:

GeneDx
Classification: Uncertain significance. Last evaluated: 2024-10-14. Review status: criteria provided, single submitter. Criteria: GeneDx Variant Classification Process June 2021. Collection method: clinical testing. Allele origin: germline. Affected: yes.
Comment: Not observed at significant frequency in large population cohorts (gnomAD); In silico analysis supports that this missense variant has a deleterious effect on protein structure/function; Has not been previously published as pathogenic or benign to our knowledge

NM_019042.5(PUS7):c.980A>T (p.Asn327Ile)

Gene: PUS7 (pseudouridine synthase 7; minus strand). Cytogenetic location: 7q22.3.
Variant type: single nucleotide variant.
Coding change: c.980A>T on transcript NM_019042.5 (MANE Select); coding-DNA position 980, A replaced by T.
Protein change: p.Asn327Ile; replaces asparagine 327 with isoleucine.
Molecular consequence: missense variant.
Genome position (GRCh38, 1-based): chr7:105,482,381, T>A on the plus strand (A>T on the coding strand, the complement: PUS7 is on the minus strand). VCF-style: chr7-105482381-T-A. GRCh37 (hg19) VCF-style: chr7-105122828-T-A.
Other names: c.998A>T, p.Asn333Ile (NM_001318163.1); c.980A>T, p.Asn327Ile (NM_001318164.2); short protein forms N327I, N333I.
Identifiers: ClinVar variation 3777600 (VCV003777600.1).